The following is an entry in ClinVar:

NM_022159.4(ADGRL4):c.345C>T (p.Cys115=)

Gene: ADGRL4 (adhesion G protein-coupled receptor L4; minus strand). Cytogenetic location: 1p31.1.
Variant type: single nucleotide variant.
Coding change: c.345C>T on transcript NM_022159.4 (MANE Select); coding-DNA position 345, C replaced by T.
Protein change: p.Cys115=; no amino-acid change (cysteine 115 retained).
Molecular consequence: synonymous variant.
Genome position (GRCh38, 1-based): chr1:78,939,239, G>A on the plus strand (C>T on the coding strand, the complement: ADGRL4 is on the minus strand). VCF-style: chr1-78939239-G-A. GRCh37 (hg19) VCF-style: chr1-79404924-G-A.
Identifiers: ClinVar variation 2638897 (VCV002638897.24), dbSNP rs774842079, ClinGen allele CA921996.

ClinVar aggregate classification (germline): Likely benign (1 of 4 stars; one submission).

Allele frequency attached by ClinVar (database versions not stated): ExAC 0.00001; gnomAD exomes 0.00001; TOPMed 0.00001.
gnomAD v4.1: 8 of 1,561,430 alleles (0.00051%); highest among the groups gnomAD compares: African/African-American, 0.0014%; no homozygotes.

Submission:

CeGaT Center for Human Genetics Tuebingen
Classification: Likely benign. Last evaluated: 2022-05-01. Review status: criteria provided, single submitter. Criteria: CeGaT Center For Human Genetics Tuebingen Variant Classification Criteria Version 2. Collection method: clinical testing. Allele origin: germline. Affected: yes. Observed: 1 variant allele.
Comment: ADGRL4: BP4, BP7